The following is an entry in ClinVar:

NM_177438.3(DICER1):c.3408del (p.Ala1137fs)

Gene: DICER1 (dicer 1, ribonuclease III; minus strand). Cytogenetic location: 14q32.13.
Variant type: Deletion.
Coding change: c.3408del on transcript NM_177438.3 (MANE Select); coding-DNA position 3408, one base deleted (T; older notation c.3408delT).
Protein change: p.Ala1137fs; shifts the reading frame from alanine 1137.
Molecular consequence: frameshift variant. On other transcripts: non-coding transcript variant (6).
Genome position (GRCh38, 1-based): chr14:95,103,988, A deleted on the plus strand (T on the coding strand, the reverse complement: DICER1 is on the minus strand). VCF-style (leftmost placement, unchanged base first): chr14-95103987-CA-C. GRCh37 (hg19) VCF-style: chr14-95570324-CA-C.
Other names: c.3408del, p.Ala1137fs (NM_001195573.1, NM_001271282.3, NM_001291628.2 and 12 more transcripts); c.3408delT, p.Ala1137Leufs (NM_001395681.1); c.3126del, p.Ala1043fs (NM_001395686.1); c.3003del, p.Ala1002fs (NM_001395687.1, NM_001395688.1, NM_001395689.1 and 2 more transcripts); c.2841del, p.Ala948fs (NM_001395691.1); c.1725del, p.Ala576fs (NM_001395697.1); short protein forms A1043fs, A1002fs, A1137fs, A576fs, A948fs.
Identifiers: ClinVar variation 2842022 (VCV002842022.3), dbSNP rs2542716203, ClinGen allele CA2739277862.

ClinVar aggregate classification (germline): Pathogenic (1 of 4 stars; one submission).

Conditions:
DICER1-related tumor predisposition. Also called: DICER1-related pleuropulmonary blastoma cancer predisposition syndrome; DICER1 syndrome. Identifiers: Orphanet 284343, MedGen C3839822, MONDO:0100216.

Submission:

Labcorp Genetics (formerly Invitae), Labcorp
Classification: Pathogenic for DICER1-related tumor predisposition. Last evaluated: 2024-05-06. Review status: criteria provided, single submitter. Criteria: Invitae Variant Classification Sherloc (09022015). Collection method: clinical testing. Allele origin: germline.
Comment: This sequence change creates a premature translational stop signal (p.Ala1137Leufs*7) in the DICER1 gene. It is expected to result in an absent or disrupted protein product. Loss-of-function variants in DICER1 are known to be pathogenic (PMID: 19556464, 21266384). This variant is not present in population databases (gnomAD no frequency). This variant has not been reported in the literature in individuals affected with DICER1-related conditions. Algorithms developed to predict the effect of sequence changes on RNA splicing suggest that this variant may disrupt the consensus splice site. For these reasons, this variant has been classified as Pathogenic.

Literature cited by the submitters: PubMed 19556464; PubMed 21266384.